The following is an entry in ClinVar:

NM_001114753.3(ENG):c.283G>A (p.Val95Met)

Gene: ENG (endoglin; minus strand). Cytogenetic location: 9q34.11.
Variant type: single nucleotide variant.
Coding change: c.283G>A on transcript NM_001114753.3 (MANE Select); coding-DNA position 283, G replaced by A.
Protein change: p.Val95Met; replaces valine 95 with methionine.
Molecular consequence: missense variant. On other transcripts: 5 prime UTR variant (1).
Genome position (GRCh38, 1-based): chr9:127,829,764, C>T on the plus strand (G>A on the coding strand, the complement: ENG is on the minus strand). VCF-style: chr9-127829764-C-T. GRCh37 (hg19) VCF-style: chr9-130592043-C-T.
Other names: c.283G>A, p.Val95Met (NM_000118.4, NM_001406715.1); c.-264G>A (NM_001278138.2); short protein forms V95M.
Identifiers: ClinVar variation 3769786 (VCV003769786.1).
Genomic context (GRCh38, chr9:127,829,764, plus strand): 5'-GGATTCCCAGGGCCTGGAGATGCAGGAAGACACTGCTGTTTACACTGAGGACCAGAAGCA[C>T]CTCTCGGGGCCAGGTGCCATTTTGCTTGGATGCCTGGAGAGTCAGCTCCAGCTGTGACGG-3'
Protein context (NP_001108225.1, residues 85-105): SKQNGTWPRE[Val95Met]LLVLSVNSSV

ClinVar aggregate classification (germline): Uncertain significance (1 of 4 stars; one submission).

Submission:

GeneDx
Classification: Uncertain significance. Last evaluated: 2024-09-17. Review status: criteria provided, single submitter. Criteria: GeneDx Variant Classification Process June 2021. Collection method: clinical testing. Allele origin: germline. Affected: yes.
Comment: Not observed at significant frequency in large population cohorts (gnomAD); In silico analysis indicates that this missense variant does not alter protein structure/function; Has not been previously published as pathogenic or benign to our knowledge